The following is an entry in ClinVar:

NM_199420.4(POLQ):c.980T>G (p.Val327Gly)

Gene: POLQ (DNA polymerase theta; minus strand). Cytogenetic location: 3q13.33.
Variant type: single nucleotide variant.
Coding change: c.980T>G on transcript NM_199420.4 (MANE Select); coding-DNA position 980, T replaced by G.
Protein change: p.Val327Gly; replaces valine 327 with glycine.
Molecular consequence: missense variant.
Genome position (GRCh38, 1-based): chr3:121,529,773, A>C on the plus strand (T>G on the coding strand, the complement: POLQ is on the minus strand). VCF-style: chr3-121529773-A-C. GRCh37 (hg19) VCF-style: chr3-121248620-A-C.
Other names: short protein forms V327G.
Identifiers: ClinVar variation 3422651 (VCV003422651.1).

ClinVar aggregate classification (germline): Uncertain significance (1 of 4 stars; one submission).

Submission:

Ambry Genetics
Classification: Uncertain significance. Last evaluated: 2024-11-08. Review status: criteria provided, single submitter. Criteria: Ambry Variant Classification Scheme 2023. Collection method: clinical testing. Allele origin: germline.
Comment: The p.V327G variant (also known as c.980T>G), located in coding exon 7 of the POLQ gene, results from a T to G substitution at nucleotide position 980. The valine at codon 327 is replaced by glycine, an amino acid with dissimilar properties. This amino acid position is conserved. In addition, this alteration is predicted to be deleterious by in silico analysis. Based on the available evidence, the clinical significance of this variant remains unclear.